The following is an entry in ClinVar:

ClinVar aggregate classification (germline): Uncertain significance (1 of 4 stars; one submission).

gnomAD v4.1: 2 of 1,612,068 alleles (0.00012%); highest among the groups gnomAD compares: East Asian, 0.0045%; no homozygotes.

Submission:

Labcorp Genetics (formerly Invitae), Labcorp
Classification: Uncertain significance. Last evaluated: 2024-09-14. Review status: criteria provided, single submitter. Criteria: Invitae Variant Classification Sherloc (09022015). Collection method: clinical testing. Allele origin: germline.
Comment: This sequence change replaces leucine, which is neutral and non-polar, with isoleucine, which is neutral and non-polar, at codon 1171 of the TOP2B protein (p.Leu1171Ile). This variant is present in population databases (rs758578708, gnomAD 0.02%). This variant has not been reported in the literature in individuals affected with TOP2B-related conditions. An algorithm developed to predict the effect of missense changes on protein structure and function (PolyPhen-2) suggests that this variant is likely to be disruptive. In summary, the available evidence is currently insufficient to determine the role of this variant in disease. Therefore, it has been classified as a Variant of Uncertain Significance.

NM_001330700.2(TOP2B):c.3526C>A (p.Leu1176Ile)

Gene: TOP2B (DNA topoisomerase II beta; minus strand). Cytogenetic location: 3p24.2.
Variant type: single nucleotide variant.
Coding change: c.3526C>A on transcript NM_001330700.2 (MANE Select); coding-DNA position 3526, C replaced by A.
Protein change: p.Leu1176Ile; replaces leucine 1176 with isoleucine.
Molecular consequence: missense variant.
Genome position (GRCh38, 1-based): chr3:25,615,270, G>T on the plus strand (C>A on the coding strand, the complement: TOP2B is on the minus strand). VCF-style: chr3-25615270-G-T. GRCh37 (hg19) VCF-style: chr3-25656761-G-T.
Other names: c.3511C>A, p.Leu1171Ile (NM_001068.3); short protein forms L1171I, L1176I.
Identifiers: ClinVar variation 3699588 (VCV003699588.2).